The following is an entry in ClinVar:

NM_033026.6(PCLO):c.535A>G (p.Ile179Val)

Gene: PCLO (piccolo presynaptic cytomatrix protein; minus strand). Cytogenetic location: 7q21.11.
Variant type: single nucleotide variant.
Coding change: c.535A>G on transcript NM_033026.6 (MANE Select); coding-DNA position 535, A replaced by G.
Protein change: p.Ile179Val; replaces isoleucine 179 with valine.
Molecular consequence: missense variant.
Genome position (GRCh38, 1-based): chr7:83,156,106, T>C on the plus strand (A>G on the coding strand, the complement: PCLO is on the minus strand). VCF-style: chr7-83156106-T-C. GRCh37 (hg19) VCF-style: chr7-82785422-T-C.
Other names: c.535A>G, p.Ile179Val (NM_014510.3); short protein forms I179V.
Identifiers: ClinVar variation 2006677 (VCV002006677.4), dbSNP rs2484906360, ClinGen allele CA367920724.
Genomic context (GRCh38, chr7:83,156,106, plus strand): 5'-CCTTCTGAACCACTTTTTGTTTCTTGGTGGTTTCTTCCTGGGATGCCTCAGAGTCTGATA[T>C]CAAATCAAAAGGGTTGAATTTATTTACAACAGAGGAAACAGCACTTAAAGCGTTAACCTC-3'
Protein context (NP_149015.2, residues 169-189): VVNKFNPFDL[Ile179Val]SDSEASQEET

ClinVar aggregate classification (germline): Uncertain significance (1 of 4 stars; one submission).

Allele frequency attached by ClinVar (database versions not stated): gnomAD exomes below 0.00001.
gnomAD v4.1: 2 of 1,613,884 alleles (0.00012%); highest among the groups gnomAD compares: South Asian, 0.0011%; no homozygotes.

Submission:

Labcorp Genetics (formerly Invitae), Labcorp
Classification: Uncertain significance. Last evaluated: 2022-09-01. Review status: criteria provided, single submitter. Criteria: Invitae Variant Classification Sherloc (09022015). Collection method: clinical testing. Allele origin: germline.
Comment: In summary, the available evidence is currently insufficient to determine the role of this variant in disease. Therefore, it has been classified as a Variant of Uncertain Significance. Algorithms developed to predict the effect of missense changes on protein structure and function are either unavailable or do not agree on the potential impact of this missense change (SIFT: "Tolerated"; PolyPhen-2: "Not Available"; Align-GVGD: "Class C0"). This variant has not been reported in the literature in individuals affected with PCLO-related conditions. This variant is not present in population databases (gnomAD no frequency). This sequence change replaces isoleucine, which is neutral and non-polar, with valine, which is neutral and non-polar, at codon 179 of the PCLO protein (p.Ile179Val).